The following is an entry in ClinVar:

NM_005802.5(TOPORS):c.1912A>G (p.Arg638Gly)

Gene: TOPORS (TOP1 binding arginine/serine rich protein, E3 ubiquitin ligase; minus strand). Cytogenetic location: 9p21.1.
Variant type: single nucleotide variant.
Coding change: c.1912A>G on transcript NM_005802.5 (MANE Select); coding-DNA position 1912, A replaced by G.
Protein change: p.Arg638Gly; replaces arginine 638 with glycine.
Molecular consequence: missense variant.
Genome position (GRCh38, 1-based): chr9:32,542,613, T>C on the plus strand (A>G on the coding strand, the complement: TOPORS is on the minus strand). VCF-style: chr9-32542613-T-C. GRCh37 (hg19) VCF-style: chr9-32542611-T-C.
Other names: c.1717A>G, p.Arg573Gly (NM_001195622.2); short protein forms R573G, R638G.
Identifiers: ClinVar variation 2788303 (VCV002788303.3), dbSNP rs1169888145, ClinGen allele CA373167465.
Genomic context (GRCh38, chr9:32,542,613, plus strand): 5'-GGCTTCTTCTGGACCAACTGCTATCTCTAGTTCTTGATCTCTTTTTGTCTCTTCTCCCTC[T>C]AGGTCTGCTACTTTCCCTGCTTCTGGATCGTTTACTTTTCATTCTTTTCTTCCCATGATG-3'
Protein context (NP_005793.2, residues 628-648): RSRSRESSRP[Arg638Gly]GRRDKKRSRT

ClinVar aggregate classification (germline): Uncertain significance (1 of 4 stars; one submission).

Allele frequency attached by ClinVar (database versions not stated): gnomAD exomes below 0.00001; TOPMed below 0.00001.
gnomAD v4.1: 3 of 1,614,110 alleles (0.00019%); highest among the groups gnomAD compares: Admixed American, 0.0017%; no homozygotes.

Submission:

Labcorp Genetics (formerly Invitae), Labcorp
Classification: Uncertain significance. Last evaluated: 2023-06-25. Review status: criteria provided, single submitter. Criteria: Invitae Variant Classification Sherloc (09022015). Collection method: clinical testing. Allele origin: germline.
Comment: This variant is present in population databases (no rsID available, gnomAD 0.003%). In summary, the available evidence is currently insufficient to determine the role of this variant in disease. Therefore, it has been classified as a Variant of Uncertain Significance. Experimental studies and prediction algorithms are not available or were not evaluated, and the functional significance of this variant is currently unknown. This variant has not been reported in the literature in individuals affected with TOPORS-related conditions. This sequence change replaces arginine, which is basic and polar, with glycine, which is neutral and non-polar, at codon 638 of the TOPORS protein (p.Arg638Gly).